The following is an entry in ClinVar:

NM_000384.3(APOB):c.719G>A (p.Ser240Asn)

Gene: APOB (apolipoprotein B; minus strand). Cytogenetic location: 2p24.1.
Variant type: single nucleotide variant.
Coding change: c.719G>A on transcript NM_000384.3 (MANE Select); coding-DNA position 719, G replaced by A.
Protein change: p.Ser240Asn; replaces serine 240 with asparagine.
Molecular consequence: missense variant.
Genome position (GRCh38, 1-based): chr2:21,035,683, C>T on the plus strand (G>A on the coding strand, the complement: APOB is on the minus strand). VCF-style: chr2-21035683-C-T. GRCh37 (hg19) VCF-style: chr2-21258555-C-T.
Other names: short protein forms S240N.
Identifiers: ClinVar variation 630660 (VCV000630660.6), dbSNP rs1275483212, ClinGen allele CA345961200.
Genomic context (GRCh38, chr2:21,035,683, plus strand): 5'-ATGGCTTCTGCCACATGCTTCCTCTTAGCGTCCAGTGTGTACTGACAGGACTGGCTGCTG[C>T]TGATCAGAGTTGACAAGGGGCGGGTCTATGAAAGAGATTGGAGACGAGCATTTTGATCAG-3'
Protein context (NP_000375.3, residues 230-250): GMTRPLSTLI[Ser240Asn]SSQSCQYTLD

ClinVar aggregate classification (germline): Uncertain significance (1 of 4 stars; one submission).

Conditions:
Hypercholesterolemia, autosomal dominant, type B (FHCL2). Also called: APOB-Related Familial Hypercholesterolemia, Autosomal Dominant; Hyperlipoproteinemia Type IIb; Familial Hypercholesterolemia Type B; APOLIPOPROTEIN B-100, FAMILIAL DEFECTIVE; APOLIPOPROTEIN B-100, FAMILIAL LIGAND-DEFECTIVE; Familial hypercholesterolemia 2. Identifiers: MedGen C1704417, MONDO:0007751, OMIM 144010.
Familial hypobetalipoproteinemia 1. Also called: APOB-Related Familial Hypobetalipoproteinemia; Hypobetalipoproteinemia, normotriglyceridemic; Acanthocytosis with hypobetalipoproteinemia. Identifiers: MedGen C4551990, MONDO:0014252, OMIM 615558.

Allele frequency attached by ClinVar (database versions not stated): gnomAD exomes below 0.00001; TOPMed 0.00001; gnomAD 0.00002.
gnomAD v4.1: 14 of 1,613,946 alleles (0.00087%); highest among the groups gnomAD compares: Non-Finnish European, 0.0012%; no homozygotes.

Submission:

Labcorp Genetics (formerly Invitae), Labcorp
Classification: Uncertain significance for Familial hypobetalipoproteinemia 1; Hypercholesterolemia, autosomal dominant, type B. Last evaluated: 2022-04-20. Review status: criteria provided, single submitter. Criteria: Invitae Variant Classification Sherloc (09022015). Collection method: clinical testing. Allele origin: germline.
Comment: This sequence change replaces serine, which is neutral and polar, with asparagine, which is neutral and polar, at codon 240 of the APOB protein (p.Ser240Asn). This variant is present in population databases (no rsID available, gnomAD 0.0009%). This variant has not been reported in the literature in individuals affected with APOB-related conditions. ClinVar contains an entry for this variant (Variation ID: 630660). Algorithms developed to predict the effect of missense changes on protein structure and function are either unavailable or do not agree on the potential impact of this missense change (SIFT: "Deleterious"; PolyPhen-2: "Benign"; Align-GVGD: "Class C0"). In summary, the available evidence is currently insufficient to determine the role of this variant in disease. Therefore, it has been classified as a Variant of Uncertain Significance.